The following is an entry in ClinVar:

NM_001754.5(RUNX1):c.1230G>A (p.Ser410=)

Gene: RUNX1 (RUNX family transcription factor 1; minus strand). Cytogenetic location: 21q22.12.
Variant type: single nucleotide variant.
Coding change: c.1230G>A on transcript NM_001754.5 (MANE Select); coding-DNA position 1230, G replaced by A.
Protein change: p.Ser410=; no amino-acid change (serine 410 retained).
Molecular consequence: synonymous variant.
Genome position (GRCh38, 1-based): chr21:34,792,348, C>T on the plus strand (G>A on the coding strand, the complement: RUNX1 is on the minus strand). VCF-style: chr21-34792348-C-T. GRCh37 (hg19) VCF-style: chr21-36164645-C-T.
Other names: NM_001754.5(RUNX1):c.1230G>A; p.Ser410=; c.1149G>A, p.Ser383= (NM_001001890.3).
Identifiers: ClinVar variation 578985 (VCV000578985.27), dbSNP rs771529157, ClinGen allele CA10014191.
Genomic context (GRCh38, chr21:34,792,348, plus strand): 5'-CGGCAGGATGCGCGGCGGCGAGCGCTCGCCGCCCACCATGGAGAACTGGTAGGAGCCGGC[C>T]GAGGCGCCGTAGTACAGGTGGTAGGAGGGCGAGCTGGCTTGGAACGGGCCTCCCTGCGCT-3'
Protein context (NP_001745.2, residues 400-420): SPSYHLYYGA[Ser410=]AGSYQFSMVG

ClinVar aggregate classification (germline): Likely benign. Review status: reviewed by expert panel (3 of 4 stars). 6 submissions from 6 submitters: Likely benign (1). 5 of the submissions do not count toward it. Last evaluated 2024-06-24.

Conditions:
Hereditary thrombocytopenia and hematological cancer predisposition syndrome associated with RUNX1. Also called: Familial thrombocytopenia with propensity to acute myelogenous leukemia; PLATELET DISORDER, ASPIRIN-LIKE; RUNX1 Familial Platelet Disorder with Associated Myeloid Malignancies; Familial Platelet Disorder with Propensity to Acute Myelogenous Leukemia. Identifiers: Orphanet 71290, MedGen C1832388, MeSH C563324, MONDO:0100083, OMIM 601399.
RUNX1-related disorder. Also called: RUNX1-related condition.
Inborn genetic diseases. Identifiers: MedGen C0950123, MeSH D030342.

Allele frequency attached by ClinVar (database versions not stated): ExAC below 0.00001; TOPMed below 0.00001; gnomAD 0.00001 and 0.00002; gnomAD exomes 0.00001.
gnomAD v4.1: 25 of 1,556,540 alleles (0.0016%); highest among the groups gnomAD compares: Middle Eastern, 0.033%; no homozygotes.

Submissions (6):

ClinGen Myeloid Malignancy Variant Curation Expert Panel
Classification: Likely benign for Hereditary thrombocytopenia and hematological cancer predisposition syndrome associated with RUNX1. Last evaluated: 2024-06-24. Review status: reviewed by expert panel. Criteria: ClinGen MyeloMalig ACMG Specifications v2. Collection method: curation. Allele origin: germline. Inheritance: Autosomal dominant inheritance.
Comment: This synonymous variant has SpliceAI ∆ scores ≤ 0.20 (BP4). Evolutionary conservation prediction algorithms predict the site as not being conserved (PhyloP score -2.375) (BP7). In summary, this variant meets criteria to be classified as likely benign. ACMG/AMP criteria applied, as specified by the Myeloid Malignancy Variant Curation Expert Panel for RUNX1: BP4, BP7.

Labcorp Genetics (formerly Invitae), Labcorp
Classification: Likely benign for Hereditary thrombocytopenia and hematological cancer predisposition syndrome associated with RUNX1. Last evaluated: 2025-07-23. Review status: criteria provided, single submitter. Criteria: Invitae Variant Classification Sherloc (09022015). Collection method: clinical testing. Allele origin: germline. Not counted in ClinVar's aggregate classification.

CeGaT Center for Human Genetics Tuebingen
Classification: Likely benign. Last evaluated: 2025-01-01. Review status: criteria provided, single submitter. Criteria: CeGaT Center For Human Genetics Tuebingen Variant Classification Criteria Version 2. Collection method: clinical testing. Allele origin: germline. Affected: yes. Observed: 1 variant allele. Not counted in ClinVar's aggregate classification.
Comment: RUNX1: BP4, BP7

Ambry Genetics
Classification: Likely benign for Inborn genetic diseases. Last evaluated: 2024-11-28. Review status: criteria provided, single submitter. Criteria: Ambry Variant Classification Scheme 2023. Collection method: clinical testing. Allele origin: germline. Not counted in ClinVar's aggregate classification.

Blueprint Genetics
Classification: Likely benign. Last evaluated: 2024-10-02. Review status: criteria provided, single submitter. Criteria: ACMG Guidelines, 2015. Collection method: clinical testing. Allele origin: germline. Not counted in ClinVar's aggregate classification.

PreventionGenetics, part of Exact Sciences
Classification: Likely benign for RUNX1-related condition. Last evaluated: 2023-07-29. Review status: no assertion criteria provided. Collection method: clinical testing. Allele origin: germline. Not counted in ClinVar's aggregate classification.
Comment: This variant is classified as likely benign based on ACMG/AMP sequence variant interpretation guidelines (Richards et al. 2015 PMID: 25741868, with internal and published modifications).